The following is an entry in ClinVar:

NM_000465.4(BARD1):c.2260A>G (p.Lys754Glu)

Gene: BARD1 (BRCA1 associated RING domain 1; minus strand). Cytogenetic location: 2q35.
Variant type: single nucleotide variant.
Coding change: c.2260A>G on transcript NM_000465.4 (MANE Select); coding-DNA position 2260, A replaced by G.
Protein change: p.Lys754Glu; replaces lysine 754 with glutamic acid.
Molecular consequence: missense variant. On other transcripts: non-coding transcript variant (3).
Genome position (GRCh38, 1-based): chr2:214,728,750, T>C on the plus strand (A>G on the coding strand, the complement: BARD1 is on the minus strand). VCF-style: chr2-214728750-T-C. GRCh37 (hg19) VCF-style: chr2-215593474-T-C.
Other names: c.2203A>G, p.Lys735Glu (NM_001282543.2); c.907A>G, p.Lys303Glu (NM_001282545.2); c.850A>G, p.Lys284Glu (NM_001282548.2); c.721A>G, p.Lys241Glu (NM_001282549.2); short protein forms K241E, K284E, K303E, K735E, K754E.
Identifiers: ClinVar variation 4867397 (VCV004867397.1).
Genomic context (GRCh38, chr2:214,728,750, plus strand): 5'-GAAGCAACTCAAAGGACATCACACAGTCTATAAACCAGCTCGAAGGAGCCTTCCAGACTT[T>C]GCCCTGCCGAACCCTCTCTGGGTGATAATTACACAAATCTTCATAGATGATATACTGTGT-3'
Protein context (NP_000456.2, residues 744-764): NYHPERVRQG[Lys754Glu]VWKAPSSWFI

ClinVar aggregate classification (germline): Uncertain significance (1 of 4 stars; one submission).

Conditions:
Hereditary cancer-predisposing syndrome. Also called: Neoplastic Syndromes, Hereditary; Tumor predisposition; Hereditary Cancer Syndrome; Hereditary neoplastic syndrome. Identifiers: Orphanet 140162, MedGen C0027672, MeSH D009386, MONDO:0015356.

Submission:

Ambry Genetics
Classification: Uncertain significance for Hereditary cancer-predisposing syndrome. Last evaluated: 2026-04-19. Review status: criteria provided, single submitter. Criteria: Ambry Variant Classification Scheme 2023. Collection method: clinical testing. Allele origin: germline.
Comment: The p.K754E variant (also known as c.2260A>G), located in coding exon 11 of the BARD1 gene, results from an A to G substitution at nucleotide position 2260. The lysine at codon 754 is replaced by glutamic acid, an amino acid with similar properties. This amino acid position is conserved. In addition, the in silico prediction for this alteration is inconclusive. Based on the available evidence, the clinical significance of this variant remains unclear.